The following is an entry in ClinVar:

ClinVar aggregate classification (germline): Uncertain significance (1 of 4 stars; one submission).

Submission:

GeneDx
Classification: Uncertain significance. Last evaluated: 2026-03-30. Review status: criteria provided, single submitter. Criteria: GeneDx Variant Classification Process June 2021. Collection method: clinical testing. Allele origin: germline.
Comment: Not observed at significant frequency in large population cohorts (gnomAD); In silico analysis suggests that this missense variant does not alter protein structure/function; Has not been previously published as pathogenic or benign to our knowledge; This variant is associated with the following publications: (PMID: 21139634, 26094131)

NM_014946.4(SPAST):c.974C>T (p.Ala325Val)

Gene: SPAST (spastin; plus strand). Cytogenetic location: 2p22.3.
Variant type: single nucleotide variant.
Coding change: c.974C>T on transcript NM_014946.4 (MANE Select); coding-DNA position 974, C replaced by T.
Protein change: p.Ala325Val; replaces alanine 325 with valine.
Molecular consequence: missense variant.
Genome position (GRCh38, 1-based): chr2:32,115,805, C>T. VCF-style: chr2-32115805-C-T. GRCh37 (hg19) VCF-style: chr2-32340874-C-T.
Other names: c.971C>T, p.Ala324Val (NM_001363823.2); c.875C>T, p.Ala292Val (NM_001363875.2); c.878C>T, p.Ala293Val (NM_001377959.1, NM_199436.2); short protein forms A292V, A293V, A324V, A325V.
Identifiers: ClinVar variation 5017929 (VCV005017929.1).
Genomic context (GRCh38, chr2:32,115,805, plus strand): 5'-CAACTGCTACTCGTAAGAAAAAAGACTTGAAGAATTTTAGGAATGTGGACAGCAACCTTG[C>T]TAACCTTATAATGAATGAAATTGTGGACAAGTAAGTTTTGCCATCTAAATGTTTTATTTT-3'
Protein context (NP_055761.2, residues 315-335): KNFRNVDSNL[Ala325Val]NLIMNEIVDN